The following is an entry in ClinVar:

ClinVar aggregate classification (germline): Uncertain significance (1 of 4 stars; one submission).

Submission:

Labcorp Genetics (formerly Invitae), Labcorp
Classification: Uncertain significance. Last evaluated: 2022-05-25. Review status: criteria provided, single submitter. Criteria: Invitae Variant Classification Sherloc (09022015). Collection method: clinical testing. Allele origin: germline.
Comment: This sequence change falls in intron 27 of the COL2A1 gene. It does not directly change the encoded amino acid sequence of the COL2A1 protein. It affects a nucleotide within the consensus splice site. This variant is not present in population databases (gnomAD no frequency). This variant has not been reported in the literature in individuals affected with COL2A1-related conditions. Variants that disrupt the consensus splice site are a relatively common cause of aberrant splicing (PMID: 17576681, 9536098). Algorithms developed to predict the effect of sequence changes on RNA splicing suggest that this variant may disrupt the consensus splice site. In summary, the available evidence is currently insufficient to determine the role of this variant in disease. Therefore, it has been classified as a Variant of Uncertain Significance.

Literature cited by the submitters: PubMed 17576681; PubMed 9536098.

NM_001844.5(COL2A1):c.1833+2dup

Gene: COL2A1 (collagen type II alpha 1 chain; minus strand). Cytogenetic location: 12q13.11.
Variant type: Duplication.
Coding change: c.1833+2dup on transcript NM_001844.5 (MANE Select); the canonical splice donor site of the intron after coding-DNA position 1833, one base duplicated (T; older notation c.1833+2dupT).
Molecular consequence: splice donor variant.
Genome position (GRCh38, 1-based): chr12:47,984,993, A duplicated on the plus strand (T on the coding strand, the reverse complement: COL2A1 is on the minus strand). VCF-style (leftmost placement, unchanged base first): chr12-47984992-T-TA. GRCh37 (hg19) VCF-style: chr12-48378775-T-TA.
Other names: c.1626+2dup (NM_033150.3).
Identifiers: ClinVar variation 1998488 (VCV001998488.4), dbSNP rs2540144501, ClinGen allele CA2580085465.